The following is an entry in ClinVar:

ClinVar aggregate classification (germline): Uncertain significance. Review status: criteria provided, multiple submitters, no conflicts (2 of 4 stars). 9 submissions from 9 submitters: Uncertain significance (8). 1 of the submissions does not count toward it. Last evaluated 2026-04-22.

Conditions:
Nemaline myopathy 2 (NEM2). Also called: Nemaline myopathy 2, autosomal recessive. Identifiers: MedGen C1850569, MONDO:0009725, OMIM 256030.
Inborn genetic diseases. Identifiers: MedGen C0950123, MeSH D030342.

Allele frequency attached by ClinVar (database versions not stated): 1000 Genomes Project 30x 0.00016; ESP Exome Variant Server 0.00017; gnomAD 0.00031 and 0.00027; TOPMed 0.00033; gnomAD exomes 0.00007; ExAC 0.00009; 1000 Genomes Project 0.00020.
gnomAD v4.1: 84 of 1,529,872 alleles (0.0055%); highest among the groups gnomAD compares: African/African-American, 0.089%; no homozygotes.

Submissions (9):

Women's Health and Genetics/Laboratory Corporation of America, LabCorp
Classification: Uncertain significance. Last evaluated: 2026-04-22. Review status: criteria provided, single submitter. Criteria: LabCorp Variant Classification Summary - May 2015. Collection method: clinical testing. Allele origin: germline.
Comment: Variant summary: NEB c.6704A>C (p.His2235Pro) results in a non-conservative amino acid change in the encoded protein sequence. Algorithms developed to predict the effect of missense changes on protein structure and function are either unavailable or do not agree on the potential impact of this missense change. Consensus agreement among computation tools predict no significant impact on normal splicing. However, these predictions have yet to be confirmed by functional studies. The variant allele was found at a frequency of 7.2e-05 in 223090 control chromosomes. This frequency is not significantly higher than estimated for disease-causing variants in NEB, allowing no conclusion about variant significance. To our knowledge, no occurrence of c.6704A>C in individuals affected with NEB-related conditions and no experimental evidence demonstrating its impact on protein function have been reported. ClinVar contains an entry for this variant (Variation ID: 281359). Based on the evidence outlined above, the variant was classified as uncertain significance.

Dasa
Classification: Uncertain significance. Last evaluated: 2025-08-17. Review status: criteria provided, single submitter. Criteria: DASA Assertion Criteria. Collection method: clinical testing. Allele origin: germline.
Comment: NM_001164508.2(NEB):c.6704A>C (p.His2235Pro) is a missense variant that results in the substitution of histidine with proline. This variant is rare in population databases. The currently available literature and clinical evidence are not sufficient to establish a definitive association between this variant and the reported condition. Therefore, this variant is classified as a variant of uncertain significance.

Labcorp Genetics (formerly Invitae), Labcorp
Classification: Uncertain significance for Nemaline myopathy 2. Last evaluated: 2024-10-29. Review status: criteria provided, single submitter. Criteria: Invitae Variant Classification Sherloc (09022015). Collection method: clinical testing. Allele origin: germline.
Comment: This sequence change replaces histidine, which is basic and polar, with proline, which is neutral and non-polar, at codon 2235 of the NEB protein (p.His2235Pro). This variant is present in population databases (rs372800812, gnomAD 0.09%). This variant has not been reported in the literature in individuals affected with NEB-related conditions. ClinVar contains an entry for this variant (Variation ID: 281359). Experimental studies and prediction algorithms are not available or were not evaluated, and the functional significance of this variant is currently unknown. In summary, the available evidence is currently insufficient to determine the role of this variant in disease. Therefore, it has been classified as a Variant of Uncertain Significance.

Athena Diagnostics
Classification: Uncertain significance. Last evaluated: 2024-10-16. Review status: criteria provided, single submitter. Criteria: Athena Diagnostics Criteria. Collection method: clinical testing. Allele origin: unknown.
Comment: Available data are insufficient to determine the clinical significance of the variant at this time. The frequency of this variant in the general population is uninformative in assessment of its pathogenicity. Polyphen and MutationTaster predict this amino acid change may be benign.

GeneDx
Classification: Uncertain significance. Last evaluated: 2024-05-11. Review status: criteria provided, single submitter. Criteria: GeneDx Variant Classification Process June 2021. Collection method: clinical testing. Allele origin: germline. Affected: yes.
Comment: In silico analysis supports that this missense variant has a deleterious effect on protein structure/function; Has not been previously published as pathogenic or benign to our knowledge

Ambry Genetics
Classification: Uncertain significance for Inborn genetic diseases. Last evaluated: 2024-05-01. Review status: criteria provided, single submitter. Criteria: Ambry Variant Classification Scheme 2023. Collection method: clinical testing. Allele origin: germline.

Revvity Omics, Revvity
Classification: Uncertain significance. Last evaluated: 2019-04-02. Review status: criteria provided, single submitter. Criteria: ACMG Guidelines, 2015. Collection method: clinical testing. Allele origin: germline.

Eurofins Ntd Llc (ga)
Classification: Uncertain significance. Last evaluated: 2015-06-11. Review status: criteria provided, single submitter. Criteria: EGL Classification Definitions 2015. Collection method: clinical testing. Allele origin: germline. Observed: 1 variant allele, 1 heterozygote.

Natera, Inc.
Classification: Uncertain significance for Nemaline myopathy type 2. Last evaluated: 2019-11-11. Review status: no assertion criteria provided. Collection method: clinical testing. Allele origin: germline. Not counted in ClinVar's aggregate classification.

NM_001164508.2(NEB):c.6704A>C (p.His2235Pro)

Gene: NEB (nebulin; minus strand). Cytogenetic location: 2q23.3.
Variant type: single nucleotide variant.
Coding change: c.6704A>C on transcript NM_001164508.2 (MANE Select); coding-DNA position 6704, A replaced by C.
Protein change: p.His2235Pro; replaces histidine 2235 with proline.
Molecular consequence: missense variant.
Genome position (GRCh38, 1-based): chr2:151,655,373, T>G on the plus strand (A>C on the coding strand, the complement: NEB is on the minus strand). VCF-style: chr2-151655373-T-G. GRCh37 (hg19) VCF-style: chr2-152511887-T-G.
Other names: c.6704A>C, p.His2235Pro (NM_001164507.2, NM_001271208.2, NM_004543.5); c.6704A>C (NM_004543.4); short protein forms H2235P.
Identifiers: ClinVar variation 281359 (VCV000281359.23), dbSNP rs372800812, ClinGen allele CA1910022.